The following is an entry in ClinVar:

NM_016247.4(IMPG2):c.2285A>G (p.Glu762Gly)

Gene: IMPG2 (interphotoreceptor matrix proteoglycan 2; minus strand). Cytogenetic location: 3q12.3.
Variant type: single nucleotide variant.
Coding change: c.2285A>G on transcript NM_016247.4 (MANE Select); coding-DNA position 2285, A replaced by G.
Protein change: p.Glu762Gly; replaces glutamic acid 762 with glycine.
Molecular consequence: missense variant.
Genome position (GRCh38, 1-based): chr3:101,244,046, T>C on the plus strand (A>G on the coding strand, the complement: IMPG2 is on the minus strand). VCF-style: chr3-101244046-T-C. GRCh37 (hg19) VCF-style: chr3-100962890-T-C.
Other names: c.2285A>G (NM_016247.3); short protein forms E762G.
Identifiers: ClinVar variation 1938085 (VCV001938085.8), dbSNP rs765020532, ClinGen allele CA2519002.

ClinVar aggregate classification (germline): Uncertain significance. Review status: criteria provided, multiple submitters, no conflicts (2 of 4 stars). 3 submissions from 3 submitters: Uncertain significance (3). Last evaluated 2025-10-02.

Conditions:
Inborn genetic diseases. Identifiers: MedGen C0950123, MeSH D030342.
IMPG2-related disorder. Also called: IMPG2-related condition.

Allele frequency attached by ClinVar (database versions not stated): gnomAD exomes 0.00001; TOPMed 0.00001; ExAC 0.00003.
gnomAD v4.1: 6 of 1,614,078 alleles (0.00037%); highest among the groups gnomAD compares: Admixed American, 0.01%; no homozygotes.

Submissions (3):

PreventionGenetics, part of Exact Sciences
Classification: Uncertain significance for IMPG2-related condition. Last evaluated: 2025-10-02. Review status: criteria provided, single submitter. Criteria: ACMG Guidelines, 2015. Collection method: clinical testing. Allele origin: germline.
Comment: The IMPG2 c.2285A>G variant is predicted to result in the amino acid substitution p.Glu762Gly. To our knowledge, this variant has not been reported in the literature. This variant is reported in 0.020% of alleles in individuals of Latino descent in gnomAD. At this time, the clinical significance of this variant is uncertain due to the absence of conclusive functional and genetic evidence.

Ambry Genetics
Classification: Uncertain significance for Inborn genetic diseases. Last evaluated: 2025-08-23. Review status: criteria provided, single submitter. Criteria: Ambry Variant Classification Scheme 2023. Collection method: clinical testing. Allele origin: germline.

Labcorp Genetics (formerly Invitae), Labcorp
Classification: Uncertain significance. Last evaluated: 2024-02-24. Review status: criteria provided, single submitter. Criteria: Invitae Variant Classification Sherloc (09022015). Collection method: clinical testing. Allele origin: germline.
Comment: This sequence change replaces glutamic acid, which is acidic and polar, with glycine, which is neutral and non-polar, at codon 762 of the IMPG2 protein (p.Glu762Gly). This variant is present in population databases (rs765020532, gnomAD 0.02%). This variant has not been reported in the literature in individuals affected with IMPG2-related conditions. ClinVar contains an entry for this variant (Variation ID: 1938085). Advanced modeling of protein sequence and biophysical properties (such as structural, functional, and spatial information, amino acid conservation, physicochemical variation, residue mobility, and thermodynamic stability) performed at Invitae indicates that this missense variant is not expected to disrupt IMPG2 protein function with a negative predictive value of 80%. In summary, the available evidence is currently insufficient to determine the role of this variant in disease. Therefore, it has been classified as a Variant of Uncertain Significance.